The following is an entry in ClinVar:

ClinVar aggregate classification (germline): Uncertain significance (1 of 4 stars; one submission).

Submission:

GeneDx
Classification: Uncertain significance. Last evaluated: 2026-01-22. Review status: criteria provided, single submitter. Criteria: GeneDx Variant Classification Process June 2021. Collection method: clinical testing. Allele origin: germline.
Comment: Not observed at significant frequency in large population cohorts (gnomAD); In silico analysis supports that this missense variant has a deleterious effect on protein structure/function; Has not been previously published as pathogenic or benign to our knowledge

NM_020706.2(SCAF4):c.1617G>C (p.Met539Ile)

Gene: SCAF4 (SR-related CTD associated factor 4; minus strand). Cytogenetic location: 21q22.11.
Variant type: single nucleotide variant.
Coding change: c.1617G>C on transcript NM_020706.2 (MANE Select); coding-DNA position 1617, G replaced by C.
Protein change: p.Met539Ile; replaces methionine 539 with isoleucine.
Molecular consequence: missense variant.
Genome position (GRCh38, 1-based): chr21:31,691,928, C>G on the plus strand (G>C on the coding strand, the complement: SCAF4 is on the minus strand). VCF-style: chr21-31691928-C-G. GRCh37 (hg19) VCF-style: chr21-33064241-C-G.
Other names: c.1572G>C, p.Met524Ile (NM_001145444.1); c.1617G>C, p.Met539Ile (NM_001145445.1); short protein forms M524I, M539I.
Identifiers: ClinVar variation 3572553 (VCV003572553.2).